The following is an entry in ClinVar:

NM_006565.4(CTCF):c.1528A>G (p.Met510Val)

Gene: CTCF (CCCTC-binding factor; plus strand). Cytogenetic location: 16q22.1.
Variant type: single nucleotide variant.
Coding change: c.1528A>G on transcript NM_006565.4 (MANE Select); coding-DNA position 1528, A replaced by G.
Protein change: p.Met510Val; replaces methionine 510 with valine.
Molecular consequence: missense variant.
Genome position (GRCh38, 1-based): chr16:67,628,379, A>G. VCF-style: chr16-67628379-A-G. GRCh37 (hg19) VCF-style: chr16-67662282-A-G.
Other names: c.544A>G, p.Met182Val (NM_001191022.2); c.1528A>G, p.Met510Val (NM_001363916.2, NM_001438968.1, NM_001438969.1); short protein forms M182V, M510V.
Identifiers: ClinVar variation 5020355 (VCV005020355.1).
Genomic context (GRCh38, chr16:67,628,379, plus strand): 5'-GCAGTAGCCCCATGAGCAGGCTCTGAGGCCTTTCCCCCTATGCCGTTTCAGGAGAGGCAC[A>G]TGATCATGCACAAGCGCACCCACACCGGGGAGAAGCCTTACGCCTGCAGCCACTGCGATA-3'
Protein context (NP_006556.1, residues 500-520): CDYACRQERH[Met510Val]IMHKRTHTGE

ClinVar aggregate classification (germline): Uncertain significance (1 of 4 stars; one submission).

Submission:

Dasa
Classification: Uncertain significance. Last evaluated: 2026-06-17. Review status: criteria provided, single submitter. Criteria: DASA Assertion Criteria. Collection method: clinical testing. Allele origin: germline.
Comment: NM_006565.4(CTCF):c.1528A>G (p.Met510Val) is a missense variant that results in the substitution of methionine with valine. This variant is rare in population databases. The currently available literature and clinical evidence are not sufficient to establish a definitive association between this variant and the reported condition. Therefore, this variant is classified as a variant of uncertain significance.